The following is an entry in ClinVar:

NM_000038.6(APC):c.5844del (p.Asp1948fs)

Gene: APC (APC regulator of Wnt signaling pathway; plus strand). Cytogenetic location: 5q22.2.
Variant type: Deletion.
Coding change: c.5844del on transcript NM_000038.6 (MANE Select); coding-DNA position 5844, one base deleted (T; older notation c.5844delT).
Protein change: p.Asp1948fs; shifts the reading frame from aspartic acid 1948.
Molecular consequence: frameshift variant. On other transcripts: non-coding transcript variant (2).
Genome position (GRCh38, 1-based): chr5:112,841,438, T deleted. VCF-style (leftmost placement, unchanged base first): chr5-112841437-AT-A. GRCh37 (hg19) VCF-style: chr5-112177134-AT-A.
Other names: c.5844delT (NM_000038.5); c.5874del, p.Asp1958fs (NM_001354897.2); c.5769del, p.Asp1923fs (NM_001354898.2); c.5760del, p.Asp1920fs (NM_001354899.2); c.5721del, p.Asp1907fs (NM_001354900.2); c.5667del, p.Asp1889fs (NM_001354901.2, NM_001407453.1); c.5571del, p.Asp1857fs (NM_001354902.2); c.5541del, p.Asp1847fs (NM_001354903.2, NM_001407458.1, NM_001407459.1 and 1 more transcripts); and 12 more; short protein forms D1564fs, D1665fs, D1788fs, D1819fs, D1822fs, D1847fs, D1857fs, D1865fs.
Identifiers: ClinVar variation 4071404 (VCV004071404.2).

ClinVar aggregate classification (germline): Pathogenic. Review status: criteria provided, multiple submitters, no conflicts (2 of 4 stars). 2 submissions from 2 submitters: Pathogenic (2). Last evaluated 2026-03-02.

Conditions:
Familial adenomatous polyposis 1 (FAP1). Also called: FAMILIAL ADENOMATOUS POLYPOSIS 1, ATTENUATED; POLYPOSIS, ADENOMATOUS INTESTINAL. Identifiers: MedGen C2713442, MONDO:0021056, OMIM 175100. Disease mechanism: loss of function.
Hereditary cancer-predisposing syndrome. Also called: Neoplastic Syndromes, Hereditary; Tumor predisposition; Hereditary neoplastic syndrome; Hereditary Cancer Syndrome. Identifiers: Orphanet 140162, MedGen C0027672, MeSH D009386, MONDO:0015356.

Submissions (2):

Ambry Genetics
Classification: Pathogenic for Hereditary cancer-predisposing syndrome. Last evaluated: 2026-03-02. Review status: criteria provided, single submitter. Criteria: Ambry Variant Classification Scheme 2023. Collection method: clinical testing. Allele origin: germline.
Comment: The c.5844delT pathogenic mutation, located in coding exon 15 of the APC gene, results from a deletion of one nucleotide at nucleotide position 5844, causing a translational frameshift with a predicted alternate stop codon (p.D1948Efs*22). This variant occurs at the 3' terminus of the gene, is not expected to trigger nonsense-mediated mRNA decay, and impacts the last 31% of the protein. However, premature stop codons are typically deleterious in nature and a significant portion of the protein is affected (Ambry internal data). This variant was reported in individual(s) with features consistent with APC-related familial adenomatous polyposis (Ambry internal data). This variant is considered to be rare based on population cohorts in the Genome Aggregation Database (gnomAD). Based on the supporting evidence, this variant is interpreted as a disease-causing mutation.

Myriad Genetics, Inc.
Classification: Pathogenic for Familial adenomatous polyposis 1. Last evaluated: 2025-06-03. Review status: criteria provided, single submitter. Criteria: Myriad Autosomal Dominant, Autosomal Recessive and X-Linked Classification Criteria (2023). Collection method: clinical testing. Allele origin: unknown.
Comment: This variant is considered pathogenic. This variant creates a frameshift predicted to result in premature protein truncation.